The following is an entry in ClinVar:

NM_001267550.2(TTN):c.67660G>C (p.Gly22554Arg)

Genes: TTN (titin; minus strand), TTN-AS1 (TTN antisense RNA 1; plus strand), LOC126806423 (CDK7 strongly-dependent group 2 enhancer GRCh37_chr2:179443309-179444508; plus strand). Cytogenetic location: 2q31.2.
Variant type: single nucleotide variant.
Coding change: c.67660G>C on transcript NM_001267550.2 (MANE Select); coding-DNA position 67660, G replaced by C.
Protein change: p.Gly22554Arg; replaces glycine 22554 with arginine.
Molecular consequence: missense variant.
Genome position (GRCh38, 1-based): chr2:178,579,370, C>G on the plus strand (G>C on the coding strand, the complement: TTN is on the minus strand). VCF-style: chr2-178579370-C-G. GRCh37 (hg19) VCF-style: chr2-179444097-C-G.
Other names: p.G20913R:GGT>CGT; c.62737G>C, p.Gly20913Arg (NM_001256850.1); c.40465G>C, p.Gly13489Arg (NM_003319.4); c.59956G>C, p.Gly19986Arg (NM_133378.4); c.40840G>C, p.Gly13614Arg (NM_133432.3); c.41041G>C, p.Gly13681Arg (NM_133437.4); short protein forms G20913R, G22554R, G19986R, G13614R, G13489R, G13681R.
Identifiers: ClinVar variation 202812 (VCV000202812.5), dbSNP rs769525101, ClinGen allele CA310364.

ClinVar aggregate classification (germline): Uncertain significance. Review status: criteria provided, multiple submitters, no conflicts (2 of 4 stars). 4 submissions from 4 submitters: Uncertain significance (3). 1 of the submissions does not count toward it. Last evaluated 2026-09-01.

Conditions:
TTN-related disorder. Also called: TTN-related condition; TTN-related disease; TTN-related disorders.
Cardiovascular phenotype. Identifiers: MedGen CN230736.

Allele frequency attached by ClinVar (database versions not stated): ExAC 0.00001.
gnomAD v4.1: 6 of 1,580,110 alleles (0.00038%); highest among the groups gnomAD compares: Admixed American, 0.0036%; no homozygotes.

Submissions (4):

PreventionGenetics, part of Exact Sciences
Classification: Uncertain significance for TTN-related condition. Last evaluated: 2026-09-01. Review status: criteria provided, single submitter. Criteria: ACMG Guidelines, 2015. Collection method: clinical testing. Allele origin: germline.
Comment: The TTN c.67660G>C variant is predicted to result in the amino acid substitution p.Gly22554Arg. To our knowledge, this variant has not been reported in the literature. This variant is reported in 0.010% of alleles in individuals of Latino descent in gnomAD. At this time, the clinical significance of this variant is uncertain due to the absence of conclusive functional and genetic evidence.

Revvity Omics, Revvity
Classification: Uncertain significance. Last evaluated: 2024-09-19. Review status: criteria provided, single submitter. Criteria: ACMG Guidelines, 2015. Collection method: clinical testing. Allele origin: germline.

Ambry Genetics
Classification: Uncertain significance for Cardiovascular phenotype. Last evaluated: 2013-01-31. Review status: criteria provided, single submitter. Criteria: Ambry Autosomal Dominant and X-Linked criteria (10/2015). Collection method: clinical testing. Allele origin: germline. Observed: 1 variant allele.
Comment: The p.G19986R variant (also known as c.59956G>C) is located in exon 269 (coding exon 268) of the TTN gene. This alteration results from a G to C substitution at nucleotide position 59956. The glycine at codon 19986 is replaced by arginine, an amino acid with dissimilar properties. This variant did not segregate with dilated cardiomyopathy in one family tested by our laboratory. This variant was not reported in population-based cohorts in the following databases: Database of Single Nucleotide Polymorphisms (dbSNP), NHLBI Exome Sequencing Project (ESP) and 1000 Genomes Project. Based on protein sequence alignment, this amino acid position is poorly conserved in available vertebrate species. In addition, this alteration is predicted to be benign by PolyPhen in silico analysis. Since supporting evidence is limited at this time, the clinical significance of p.G19986R remains unclear.

GeneDx
No classification provided. Last evaluated: 2014-05-20. Review status: no classification provided. Criteria: GeneDx Variant Classification (06012015). Collection method: clinical testing. Allele origin: germline. Affected: yes. Not counted in ClinVar's aggregate classification.
Comment: Missense variants in the TTN gene are considered 'unclassified' if they are not previously reported in the literature and do not have >1% frequency in the population to be considered a polymorphism. Research indicates that truncating mutations in the TTN gene are expected to account for approximately 25% of familial and 18% of sporadic idiopathic DCM; however, truncating variants in the TTN gene have been reported in approximately 3% of reported control alleles. There has been little investigation into non-truncating variants. (Herman D et al. Truncations of titin causing dilated cardiomyopathy. N Eng J Med 366:619-628, 2012) The variant is found in DCM-CRDM panel(s).